The following is an entry in ClinVar:

ClinVar aggregate classification (germline): Uncertain significance (1 of 4 stars; one submission).

Conditions:
Renal cysts and diabetes syndrome (RCAD). Also called: MATURITY-ONSET DIABETES OF THE YOUNG, TYPE 5; Familial hypoplastic, glomerulocystic kidney. Identifiers: Orphanet 93111, MedGen C0431693, MONDO:0007669, OMIM 137920.

Submission:

MVZ Medizinische Genetik Mainz
Classification: Uncertain significance for Renal cysts and diabetes syndrome. Last evaluated: 2023-09-19. Review status: criteria provided, single submitter. Criteria: UK Practice Guidelines For Variant Classification V4 01 2020. Collection method: clinical testing. Allele origin: germline. Inheritance: Autosomal dominant inheritance. Affected: yes. Observed: 1 variant allele.
Comment: ACMG Criteria: PM2_SUP,PP3

NM_000458.4(HNF1B):c.1408C>A (p.Gln470Lys)

Gene: HNF1B (HNF1 homeobox B; minus strand). Cytogenetic location: 17q12.
Variant type: single nucleotide variant.
Coding change: c.1408C>A on transcript NM_000458.4 (MANE Select); coding-DNA position 1408, C replaced by A.
Protein change: p.Gln470Lys; replaces glutamine 470 with lysine.
Molecular consequence: missense variant. On other transcripts: intron variant (1).
Genome position (GRCh38, 1-based): chr17:37,701,109, G>T on the plus strand (C>A on the coding strand, the complement: HNF1B is on the minus strand). VCF-style: chr17-37701109-G-T. GRCh37 (hg19) VCF-style: chr17-36061114-G-T.
Other names: c.1330C>A, p.Gln444Lys (NM_001165923.4); c.1408C>A, p.Gln470Lys (NM_001411100.1); c.1261+3808C>A (NM_001304286.2); short protein forms Q444K, Q470K.
Identifiers: ClinVar variation 3236250 (VCV003236250.1), dbSNP rs2511700701, ClinGen allele CA398755705.